The following is an entry in ClinVar:

ClinVar aggregate classification (germline): Benign/Likely benign. Review status: criteria provided, multiple submitters, no conflicts (2 of 4 stars). 3 submissions from 3 submitters: Benign (1); Likely benign (2). Last evaluated 2025-09-01.

Conditions:
Familial adenomatous polyposis 1 (FAP1). Also called: FAMILIAL ADENOMATOUS POLYPOSIS 1, ATTENUATED; POLYPOSIS, ADENOMATOUS INTESTINAL. Identifiers: MedGen C2713442, MONDO:0021056, OMIM 175100. Disease mechanism: loss of function.
Hereditary cancer-predisposing syndrome. Also called: Tumor predisposition; Hereditary neoplastic syndrome; Hereditary Cancer Syndrome; Neoplastic Syndromes, Hereditary. Identifiers: Orphanet 140162, MedGen C0027672, MeSH D009386, MONDO:0015356.

gnomAD v4.1: 1 of 1,614,238 alleles (0.000062%); highest among the groups gnomAD compares: East Asian, 0.0022%; no homozygotes.

Submissions (3):

Labcorp Genetics (formerly Invitae), Labcorp
Classification: Likely benign for Familial adenomatous polyposis 1. Last evaluated: 2025-09-01. Review status: criteria provided, single submitter. Criteria: Invitae Variant Classification Sherloc (09022015). Collection method: clinical testing. Allele origin: germline.

Myriad Genetics, Inc.
Classification: Benign for Familial adenomatous polyposis 1. Last evaluated: 2024-03-27. Review status: criteria provided, single submitter. Criteria: Myriad Autosomal Dominant, Autosomal Recessive and X-Linked Classification Criteria (2023). Collection method: clinical testing. Allele origin: unknown.
Comment: This variant is considered benign. This variant is a silent/synonymous amino acid change and it is not expected to impact splicing.

Ambry Genetics
Classification: Likely benign for Hereditary cancer-predisposing syndrome. Last evaluated: 2021-10-13. Review status: criteria provided, single submitter. Criteria: Ambry Variant Classification Scheme 2023. Collection method: clinical testing. Allele origin: germline.

NM_000038.6(APC):c.4752A>G (p.Pro1584=)

Gene: APC (APC regulator of Wnt signaling pathway; plus strand). Cytogenetic location: 5q22.2.
Variant type: single nucleotide variant.
Coding change: c.4752A>G on transcript NM_000038.6 (MANE Select); coding-DNA position 4752, A replaced by G.
Protein change: p.Pro1584=; no amino-acid change (proline 1584 retained).
Molecular consequence: synonymous variant.
Genome position (GRCh38, 1-based): chr5:112,840,346, A>G. VCF-style: chr5-112840346-A-G. GRCh37 (hg19) VCF-style: chr5-112176043-A-G.
Other names: c.4752A>G, p.Pro1584= (NM_001127510.3, NM_001354895.2); c.4698A>G, p.Pro1566= (NM_001127511.3); c.4806A>G, p.Pro1602= (NM_001354896.2); c.4782A>G, p.Pro1594= (NM_001354897.2); c.4677A>G, p.Pro1559= (NM_001354898.2); c.4668A>G, p.Pro1556= (NM_001354899.2); c.4629A>G, p.Pro1543= (NM_001354900.2); c.4575A>G, p.Pro1525= (NM_001354901.2); and 5 more.
Identifiers: ClinVar variation 785716 (VCV000785716.12), dbSNP rs1554086150, ClinGen allele CA446206712.
Genomic context (GRCh38, chr5:112,840,346, plus strand): 5'-AGATGATTCAGATGATGATGATATTGAAATACTAGAAGAATGTATTATTTCTGCCATGCC[A>G]ACAAAGTCATCACGTAAAGCAAAAAAGCCAGCCCAGACTGCTTCAAAATTACCTCCACCT-3'
Protein context (NP_000029.2, residues 1574-1594): ILEECIISAM[Pro1584=]TKSSRKAKKP